The following is an entry in ClinVar:

ClinVar aggregate classification (germline): Likely benign (0 of 4 stars; one submission).

Conditions:
CYP2B6-related disorder. Also called: CYP2B6-related condition.

Allele frequency attached by ClinVar (database versions not stated): ExAC 0.00006; gnomAD 0.00007; gnomAD exomes 0.00007; ESP Exome Variant Server 0.00008; TOPMed 0.00010.
gnomAD v4.1: 110 of 1,614,088 alleles (0.0068%); highest among the groups gnomAD compares: South Asian, 0.044%; no homozygotes.

Submission:

PreventionGenetics, part of Exact Sciences
Classification: Likely benign for CYP2B6-related condition. Last evaluated: 2019-11-05. Review status: no assertion criteria provided. Collection method: clinical testing. Allele origin: germline.
Comment: This variant is classified as likely benign based on ACMG/AMP sequence variant interpretation guidelines (Richards et al. 2015 PMID: 25741868, with internal and published modifications).

NM_000767.5(CYP2B6):c.1386C>T (p.Pro462=)

Gene: CYP2B6 (cytochrome P450 family 2 subfamily B member 6; plus strand). Cytogenetic location: 19q13.2.
Variant type: single nucleotide variant.
Coding change: c.1386C>T on transcript NM_000767.5 (MANE Select); coding-DNA position 1386, C replaced by T.
Protein change: p.Pro462=; no amino-acid change (proline 462 retained).
Molecular consequence: synonymous variant.
Genome position (GRCh38, 1-based): chr19:41,016,737, C>T. VCF-style: chr19-41016737-C-T. GRCh37 (hg19) VCF-style: chr19-41522642-C-T.
Identifiers: ClinVar variation 3045935 (VCV003045935.2), dbSNP rs368531402, ClinGen allele CA9455594.